The following is an entry in ClinVar:

ClinVar aggregate classification (germline): Uncertain significance (1 of 4 stars; one submission).

Conditions:
DICER1-related tumor predisposition. Also called: DICER1-related pleuropulmonary blastoma cancer predisposition syndrome; DICER1 syndrome. Identifiers: Orphanet 284343, MedGen C3839822, MONDO:0100216.

Submission:

Labcorp Genetics (formerly Invitae), Labcorp
Classification: Uncertain significance for DICER1-related tumor predisposition. Last evaluated: 2026-01-26. Review status: criteria provided, single submitter. Criteria: Invitae Variant Classification Sherloc (09022015). Collection method: clinical testing. Allele origin: germline.
Comment: This sequence change falls in intron 26 of the DICER1 gene. It does not directly change the encoded amino acid sequence of the DICER1 protein. This variant is not present in population databases (gnomAD no frequency). This variant has not been reported in the literature in individuals affected with DICER1-related conditions. Algorithms developed to predict the effect of sequence changes on RNA splicing suggest that this variant may disrupt the consensus splice site. In summary, the available evidence is currently insufficient to determine the role of this variant in disease. Therefore, it has been classified as a Variant of Uncertain Significance.

NM_177438.3(DICER1):c.5604-7T>G

Gene: DICER1 (dicer 1, ribonuclease III; minus strand). Cytogenetic location: 14q32.13.
Variant type: single nucleotide variant.
Coding change: c.5604-7T>G on transcript NM_177438.3 (MANE Select); 7 bases into the intron before coding-DNA position 5604, T replaced by G.
Molecular consequence: intron variant.
Genome position (GRCh38, 1-based): chr14:95,090,670, A>C on the plus strand (T>G on the coding strand, the complement: DICER1 is on the minus strand). VCF-style: chr14-95090670-A-C. GRCh37 (hg19) VCF-style: chr14-95557007-A-C.
Other names: c.5604-7T>G (NM_001291628.2, NM_030621.4, NM_001395677.1 and 7 more transcripts); c.5199-7T>G (NM_001395690.1, NM_001395687.1, NM_001395689.1 and 1 more transcripts); c.5322-7T>G (NM_001395686.1); c.5037-7T>G (NM_001395691.1); c.3921-7T>G (NM_001395697.1); c.5441-7T>G (NM_001195573.1).
Identifiers: ClinVar variation 4736154 (VCV004736154.1).
Genomic context (GRCh38, chr14:95,090,670, plus strand): 5'-CCTACTACTTCCACAGTGACTCTGACCTTCCCGTCGTAAGTTCTCTCAGCCGGGCTGTAA[A>C]AAATCCAAACAGCTTGAATTAGAAGTCAGAAGTATTTATTATCATTGTCAATCAGCATTT-3'